The following is an entry in ClinVar:

NM_017780.4(CHD7):c.8318T>C (p.Met2773Thr)

Gene: CHD7 (chromodomain helicase DNA binding protein 7; plus strand). Cytogenetic location: 8q12.2.
Variant type: single nucleotide variant.
Coding change: c.8318T>C on transcript NM_017780.4 (MANE Select); coding-DNA position 8318, T replaced by C.
Protein change: p.Met2773Thr; replaces methionine 2773 with threonine.
Molecular consequence: missense variant.
Genome position (GRCh38, 1-based): chr8:60,865,257, T>C. VCF-style: chr8-60865257-T-C. GRCh37 (hg19) VCF-style: chr8-61777816-T-C.
Other names: c.2171T>C, p.Met724Thr (NM_001316690.1); short protein forms M724T, M2773T.
Identifiers: ClinVar variation 2439993 (VCV002439993.5), dbSNP rs2488145261, ClinGen allele CA371308318.

ClinVar aggregate classification (germline): Uncertain significance. Review status: criteria provided, multiple submitters, no conflicts (2 of 4 stars). 2 submissions from 2 submitters: Uncertain significance (2). Last evaluated 2024-10-09.

Conditions:
CHARGE syndrome (CHARGE). Also called: Hittner Hirsch Kreh syndrome; CHARGE ASSOCIATION--COLOBOMA, HEART ANOMALY, CHOANAL ATRESIA, RETARDATION, GENITAL AND EAR ANOMALIES; Coloboma, heart anomaly, choanal atresia, retardation, genital and ear anomalies; CHARGE association; Hall-Hittner syndrome. Identifiers: Orphanet 138, MedGen C0265354, MONDO:0008965.

Submissions (2):

Labcorp Genetics (formerly Invitae), Labcorp
Classification: Uncertain significance for CHARGE syndrome. Last evaluated: 2024-10-09. Review status: criteria provided, single submitter. Criteria: Invitae Variant Classification Sherloc (09022015). Collection method: clinical testing. Allele origin: germline.
Comment: This sequence change replaces methionine, which is neutral and non-polar, with threonine, which is neutral and polar, at codon 2773 of the CHD7 protein (p.Met2773Thr). This variant is not present in population databases (gnomAD no frequency). This variant has not been reported in the literature in individuals affected with CHD7-related conditions. ClinVar contains an entry for this variant (Variation ID: 2439993). Invitae Evidence Modeling of protein sequence and biophysical properties (such as structural, functional, and spatial information, amino acid conservation, physicochemical variation, residue mobility, and thermodynamic stability) indicates that this missense variant is not expected to disrupt CHD7 protein function with a negative predictive value of 95%. In summary, the available evidence is currently insufficient to determine the role of this variant in disease. Therefore, it has been classified as a Variant of Uncertain Significance.

Revvity Omics, Revvity
Classification: Uncertain significance. Last evaluated: 2021-11-11. Review status: criteria provided, single submitter. Criteria: ACMG Guidelines, 2015. Collection method: clinical testing. Allele origin: germline.